The following is an entry in ClinVar:

ClinVar aggregate classification (germline): Uncertain significance (1 of 4 stars; one submission).

Conditions:
Melnick-Fraser syndrome (BOR). Also called: Branchiootorenal syndrome; Branchio-oto-renal syndrome; Branchiootorenal Syndrome (BORS). Identifiers: Orphanet 107, MedGen C0265234, MONDO:0007029.

Submission:

Labcorp Genetics (formerly Invitae), Labcorp
Classification: Uncertain significance for Melnick-Fraser syndrome. Last evaluated: 2025-03-10. Review status: criteria provided, single submitter. Criteria: Invitae Variant Classification Sherloc (09022015). Collection method: clinical testing. Allele origin: germline.
Comment: This sequence change replaces glycine, which is neutral and non-polar, with cysteine, which is neutral and slightly polar, at codon 222 of the EYA1 protein (p.Gly222Cys). This variant is not present in population databases (gnomAD no frequency). This variant has not been reported in the literature in individuals affected with EYA1-related conditions. ClinVar contains an entry for this variant (Variation ID: 2858610). Invitae Evidence Modeling of protein sequence and biophysical properties (such as structural, functional, and spatial information, amino acid conservation, physicochemical variation, residue mobility, and thermodynamic stability) indicates that this missense variant is not expected to disrupt EYA1 protein function with a negative predictive value of 95%. In summary, the available evidence is currently insufficient to determine the role of this variant in disease. Therefore, it has been classified as a Variant of Uncertain Significance.

NM_000503.6(EYA1):c.664G>T (p.Gly222Cys)

Gene: EYA1 (EYA transcriptional coactivator and phosphatase 1; minus strand). Cytogenetic location: 8q13.3.
Variant type: single nucleotide variant.
Coding change: c.664G>T on transcript NM_000503.6 (MANE Select); coding-DNA position 664, G replaced by T.
Protein change: p.Gly222Cys; replaces glycine 222 with cysteine.
Molecular consequence: missense variant.
Genome position (GRCh38, 1-based): chr8:71,299,209, C>A on the plus strand (G>T on the coding strand, the complement: EYA1 is on the minus strand). VCF-style: chr8-71299209-C-A. GRCh37 (hg19) VCF-style: chr8-72211444-C-A.
Other names: c.646G>T, p.Gly216Cys (NM_001288574.2); c.298G>T, p.Gly100Cys (NM_001288575.2); c.751G>T, p.Gly251Cys (NM_001370333.1); c.664G>T, p.Gly222Cys (NM_001370334.1, NM_001370335.1, NM_172058.4); c.733G>T, p.Gly245Cys (NM_001370336.1); c.565G>T, p.Gly189Cys (NM_001411797.1, NM_172060.4); c.736G>T, p.Gly246Cys (NM_172059.5); short protein forms G100C, G216C, G245C, G246C, G189C, G222C, G251C.
Identifiers: ClinVar variation 2858610 (VCV002858610.3), dbSNP rs2536801883, ClinGen allele CA371467419.